The following is an entry in ClinVar:

ClinVar aggregate classification (germline): Pathogenic (1 of 4 stars; one submission).

Submission:

GeneDx
Classification: Pathogenic. Last evaluated: 2018-09-26. Review status: criteria provided, single submitter. Criteria: GeneDx Variant Classification (06012015). Collection method: clinical testing. Allele origin: germline. Affected: yes.
Comment: The c.3565dupA variant in the NSD2 gene has not been reported previously as a pathogenic variant nor as a benign variant, to our knowledge. The c.3565dupA variant causes a frameshift starting with codon Threonine 1189, changes this amino acid to an Asparagine residue, and creates a premature Stop codon at position 17 of the new reading frame, denoted p.Thr1189AsnfsX17. This variant is predicted to cause loss of normal protein function either through protein truncation or nonsense-mediated mRNA decay. The c.3565dupA variant is not observed in large population cohorts (Lek et al., 2016). We interpret c.3565dupA as a pathogenic variant.

NM_001042424.3(NSD2):c.3565dup (p.Thr1189fs)

Gene: NSD2 (nuclear receptor binding SET domain protein 2; plus strand). Cytogenetic location: 4p16.3.
Variant type: Duplication.
Coding change: c.3565dup on transcript NM_001042424.3 (MANE Select); coding-DNA position 3565, one base duplicated (A; older notation c.3565dupA).
Protein change: p.Thr1189fs; shifts the reading frame from threonine 1189.
Molecular consequence: frameshift variant.
Genome position (GRCh38, 1-based): chr4:1,975,344, A duplicated; the last of 6 consecutive A bases (chr4:1,975,339-1,975,344); duplicating any one gives the same sequence. VCF-style (leftmost placement, unchanged base first): chr4-1975338-G-GA. GRCh37 (hg19) VCF-style: chr4-1977065-G-GA.
Other names: c.3565dup, p.Thr1189fs (NM_133330.3, NM_133331.3, NM_133335.4); c.3565dupA (NM_133330.2); short protein forms T1189fs.
Identifiers: ClinVar variation 817239 (VCV000817239.1), dbSNP rs1577584497, ClinGen allele CA915944102.